The following is an entry in ClinVar:

ClinVar aggregate classification (germline): Uncertain significance (1 of 4 stars; one submission).

Conditions:
Intellectual developmental disorder, autosomal dominant 44, with microcephaly. Also called: Micrognathia-recurrent infections-behavioral abnormalities-mild intellectual disability syndrome; TRIO-Related Intellectual Disability. Identifiers: Orphanet 476126, MedGen C4310740, MONDO:0014892, OMIM 617061.

Submission:

3billion
Classification: Uncertain significance for Intellectual developmental disorder, autosomal dominant 44, with microcephaly. Last evaluated: 2025-06-12. Review status: criteria provided, single submitter. Criteria: ACMG Guidelines, 2015. Collection method: clinical testing. Allele origin: germline. Affected: yes.
Comment: The variant is not observed in the gnomAD v4.1.0 dataset. Predicted Consequence/Location: Missense variant Different missense changes at the same codon (p.His1371Arg, p.His1371Tyr) have been reported to be associated with TRIO-related disorder (ClinVar ID: VCV001254169 /PMID: 31144778, 36987741 /3billion dataset). However the evidence of pathogenicity is insufficient at this time. Therefore, this variant is classified as VUS according to the recommendation of ACMG/AMP guideline.

Literature cited by the submitters: PubMed 31144778.

NM_007118.4(TRIO):c.4113T>G (p.His1371Gln)

Gene: TRIO (trio Rho guanine nucleotide exchange factor; plus strand). Cytogenetic location: 5p15.2.
Variant type: single nucleotide variant.
Coding change: c.4113T>G on transcript NM_007118.4 (MANE Select); coding-DNA position 4113, T replaced by G.
Protein change: p.His1371Gln; replaces histidine 1371 with glutamine.
Molecular consequence: missense variant. On other transcripts: non-coding transcript variant (1).
Genome position (GRCh38, 1-based): chr5:14,390,285, T>G. VCF-style: chr5-14390285-T-G. GRCh37 (hg19) VCF-style: chr5-14390394-T-G.
Other names: short protein forms H1371Q.
Identifiers: ClinVar variation 4856075 (VCV004856075.1).
Genomic context (GRCh38, chr5:14,390,285, plus strand): 5'-TTGCAGCATATTCCTAAAGGAGCTGGAAAAATATGAACAGTTGCCAGAGGATGTTGGACA[T>G]TGTTTTGTTACTTGGGTAATGAAACCTCAACCATTTGTTCTCTCCCAGCTATTAGGTGAC-3'
Protein context (NP_009049.2, residues 1361-1381): KYEQLPEDVG[His1371Gln]CFVTWADKFQ